The following is an entry in ClinVar:

ClinVar aggregate classification (germline): Uncertain significance (1 of 4 stars; one submission).

Conditions:
Intellectual developmental disorder, X-linked, syndromic, Raymond type. Also called: Syndromic X-linked intellectual disability Raymond type. Identifiers: MedGen C3275406, MONDO:0010427, OMIM 300799.

Submission:

Labcorp Genetics (formerly Invitae), Labcorp
Classification: Uncertain significance for Intellectual developmental disorder, X-linked, syndromic, Raymond type. Last evaluated: 2024-05-28. Review status: criteria provided, single submitter. Criteria: Invitae Variant Classification Sherloc (09022015). Collection method: clinical testing. Allele origin: germline.
Comment: This sequence change replaces leucine, which is neutral and non-polar, with isoleucine, which is neutral and non-polar, at codon 227 of the ZDHHC9 protein (p.Leu227Ile). This variant is not present in population databases (gnomAD no frequency). This variant has not been reported in the literature in individuals affected with ZDHHC9-related conditions. Advanced modeling of protein sequence and biophysical properties (such as structural, functional, and spatial information, amino acid conservation, physicochemical variation, residue mobility, and thermodynamic stability) performed at Invitae indicates that this missense variant is not expected to disrupt ZDHHC9 protein function with a negative predictive value of 80%. In summary, the available evidence is currently insufficient to determine the role of this variant in disease. Therefore, it has been classified as a Variant of Uncertain Significance.

NM_016032.4(ZDHHC9):c.679C>A (p.Leu227Ile)

Gene: ZDHHC9 (zDHHC palmitoyltransferase 9; minus strand). Cytogenetic location: Xq26.1.
Variant type: single nucleotide variant.
Coding change: c.679C>A on transcript NM_016032.4 (MANE Select); coding-DNA position 679, C replaced by A.
Protein change: p.Leu227Ile; replaces leucine 227 with isoleucine.
Molecular consequence: missense variant.
Genome position (GRCh38, 1-based): chrX:129,812,816, G>T on the plus strand (C>A on the coding strand, the complement: ZDHHC9 is on the minus strand). VCF-style: chrX-129812816-G-T. GRCh37 (hg19) VCF-style: chrX-128946792-G-T.
Other names: c.679C>A, p.Leu227Ile (NM_001008222.3); short protein forms L227I.
Identifiers: ClinVar variation 3716807 (VCV003716807.2).